The following is an entry in ClinVar:

NM_022124.6(CDH23):c.5228C>A (p.Thr1743Asn)

Gene: CDH23 (cadherin related 23; plus strand). Cytogenetic location: 10q22.1.
Variant type: single nucleotide variant.
Coding change: c.5228C>A on transcript NM_022124.6 (MANE Select); coding-DNA position 5228, C replaced by A.
Protein change: p.Thr1743Asn; replaces threonine 1743 with asparagine.
Molecular consequence: missense variant.
Genome position (GRCh38, 1-based): chr10:71,779,307, C>A. VCF-style: chr10-71779307-C-A. GRCh37 (hg19) VCF-style: chr10-73539064-C-A.
Other names: short protein forms T1743N.
Identifiers: ClinVar variation 300441 (VCV000300441.31), dbSNP rs191021194, ClinGen allele CA5545691.

ClinVar aggregate classification (germline): Conflicting classifications of pathogenicity. Review status: criteria provided, conflicting classifications (1 of 4 stars). 11 submissions from 10 submitters: Uncertain significance (8); Likely benign (2). 1 of the submissions does not count toward it. Last evaluated 2026-01-20.

Conditions:
Pituitary adenoma 5, multiple types. Identifiers: MedGen C4539685, MONDO:0054601, OMIM 617540.
Usher syndrome type 1 (USH1). Also called: RETINITIS PIGMENTOSA AND CONGENITAL DEAFNESS. Identifiers: Orphanet 231169, Orphanet 886, MedGen C1568247, MONDO:0010168, OMIM 276900.
Autosomal recessive nonsyndromic hearing loss 12. Also called: DEAFNESS, AUTOSOMAL RECESSIVE 12. Identifiers: Orphanet 90636, MedGen C1832394, MONDO:0011067, OMIM 601386.
CDH23-related disorder. Also called: CDH23-related condition; CDH23-related disorders.
Inborn genetic diseases. Identifiers: MedGen C0950123, MeSH D030342.
Usher syndrome type 1D (USH1D). Also called: USHER SYNDROME, TYPE ID. Identifiers: Orphanet 231169, Orphanet 886, MedGen C1832845, MONDO:0010984, OMIM 601067.

Allele frequency attached by ClinVar (database versions not stated): TOPMed 0.00008; gnomAD 0.00009 and 0.00010; 1000 Genomes Project 30x 0.00016; 1000 Genomes Project 0.00020.
gnomAD v4.1: 186 of 1,614,042 alleles (0.012%); highest among the groups gnomAD compares: Middle Eastern, 0.033%; no homozygotes.

Submissions (11):

Labcorp Genetics (formerly Invitae), Labcorp
Classification: Likely benign. Last evaluated: 2026-01-20. Review status: criteria provided, single submitter. Criteria: Invitae Variant Classification Sherloc (09022015). Collection method: clinical testing. Allele origin: germline.

Ambry Genetics
Classification: Uncertain significance for Inborn genetic diseases. Last evaluated: 2025-12-15. Review status: criteria provided, single submitter. Criteria: Ambry Variant Classification Scheme 2023. Collection method: clinical testing. Allele origin: germline.
Comment: The c.5228C>A (p.T1743N) alteration is located in exon 41 (coding exon 40) of the CDH23 gene. This alteration results from a C to A substitution at nucleotide position 5228, causing the threonine (T) at amino acid position 1743 to be replaced by an asparagine (N). Based on data from gnomAD, the A allele has an overall frequency of 0.02% (55/280652) total alleles studied. The highest observed frequency was 0.358% (37/10350) of Ashkenazi Jewish alleles. Based on insufficient or conflicting evidence, the clinical significance of this alteration remains unclear.

GeneDx
Classification: Uncertain significance. Last evaluated: 2025-08-08. Review status: criteria provided, single submitter. Criteria: GeneDx Variant Classification Process June 2021. Collection method: clinical testing. Allele origin: germline. Affected: yes.
Comment: In silico analysis suggests that this missense variant does not alter protein structure/function; Has not been previously published as pathogenic or benign to our knowledge

PreventionGenetics, part of Exact Sciences
Classification: Likely benign for CDH23-related condition. Last evaluated: 2025-01-31. Review status: criteria provided, single submitter. Criteria: ACMG Guidelines, 2015. Collection method: clinical testing. Allele origin: germline.
Comment: This variant is classified as likely benign based on ACMG/AMP sequence variant interpretation guidelines (Richards et al. 2015 PMID: 25741868, with internal and published modifications).

Blueprint Genetics
Classification: Uncertain significance. Last evaluated: 2024-04-26. Review status: criteria provided, single submitter. Criteria: ACMG Guidelines, 2015. Collection method: clinical testing. Allele origin: germline.

Baylor Genetics
Classification: Uncertain significance for Pituitary adenoma 5, multiple types. Last evaluated: 2022-08-28. Review status: criteria provided, single submitter. Criteria: ACMG Guidelines, 2015. Collection method: clinical testing. Allele origin: unknown.

Department of Pathology and Laboratory Medicine, Sinai Health System
Classification: Uncertain significance for Usher syndrome type 1. Last evaluated: 2022-04-08. Review status: criteria provided, single submitter. Criteria: ACMG Guidelines, 2015. Collection method: research. Allele origin: germline.

Illumina Laboratory Services, Illumina
Classification: Uncertain significance for Autosomal recessive nonsyndromic hearing loss 12. Last evaluated: 2018-01-13. Review status: criteria provided, single submitter. Criteria: ICSL Variant Classification Criteria 13 December 2019. Collection method: clinical testing. Allele origin: germline.

Illumina Laboratory Services, Illumina
Classification: Uncertain significance for Usher syndrome type 1D. Last evaluated: 2018-01-13. Review status: criteria provided, single submitter. Criteria: ICSL Variant Classification Criteria 13 December 2019. Collection method: clinical testing. Allele origin: germline.

Eurofins Ntd Llc (ga)
Classification: Uncertain significance. Last evaluated: 2017-01-20. Review status: criteria provided, single submitter. Criteria: EGL Classification Definitions 2015. Collection method: clinical testing. Allele origin: germline. Observed: 1 variant allele, 1 heterozygote.

Natera, Inc.
Classification: Uncertain significance for Usher syndrome type 1. Last evaluated: 2020-04-16. Review status: no assertion criteria provided. Collection method: clinical testing. Allele origin: germline. Not counted in ClinVar's aggregate classification.